The following is an entry in ClinVar:

ClinVar aggregate classification (germline): Uncertain significance (1 of 4 stars; one submission).

gnomAD v4.1: 1 of 1,614,152 alleles (0.000062%); no homozygotes.

Submission:

Ambry Genetics
Classification: Uncertain significance. Last evaluated: 2023-12-22. Review status: criteria provided, single submitter. Criteria: Ambry Variant Classification Scheme 2023. Collection method: clinical testing. Allele origin: germline.
Comment: The p.L299P variant (also known as c.896T>C), located in coding exon 3 of the ALPK2 gene, results from a T to C substitution at nucleotide position 896. The leucine at codon 299 is replaced by proline, an amino acid with similar properties. This amino acid position is conserved. In addition, this alteration is predicted to be tolerated by in silico analysis. Since supporting evidence is limited at this time, the clinical significance of this alteration remains unclear.

NM_052947.4(ALPK2):c.896T>C (p.Leu299Pro)

Genes: ALPK2 (alpha kinase 2; minus strand), LOC114803473 (ALPK2 eExon liver enhancer; plus strand). Cytogenetic location: 18q21.31.
Variant type: single nucleotide variant.
Coding change: c.896T>C on transcript NM_052947.4 (MANE Select); coding-DNA position 896, T replaced by C.
Protein change: p.Leu299Pro; replaces leucine 299 with proline.
Molecular consequence: missense variant.
Genome position (GRCh38, 1-based): chr18:58,579,880, A>G on the plus strand (T>C on the coding strand, the complement: ALPK2 is on the minus strand). VCF-style: chr18-58579880-A-G. GRCh37 (hg19) VCF-style: chr18-56247112-A-G.
Other names: short protein forms L299P.
Identifiers: ClinVar variation 3228873 (VCV003228873.1), dbSNP rs756581736, ClinGen allele CA402566867.